The following is an entry in ClinVar:

ClinVar aggregate classification (germline): Uncertain significance. Review status: criteria provided, multiple submitters, no conflicts (2 of 4 stars). 3 submissions from 3 submitters: Uncertain significance (3). Last evaluated 2025-08-04.

Conditions:
Inborn genetic diseases. Identifiers: MedGen C0950123, MeSH D030342.
Arthrogryposis, renal dysfunction, and cholestasis 2 (ARCS2). Identifiers: Orphanet 2697, MedGen C3150672, MONDO:0013255, OMIM 613404.

gnomAD v4.1: 9 of 1,614,162 alleles (0.00056%); highest among the groups gnomAD compares: Admixed American, 0.015%; no homozygotes.

Submissions (3):

Ambry Genetics
Classification: Uncertain significance for Inborn genetic diseases. Last evaluated: 2025-08-04. Review status: criteria provided, single submitter. Criteria: Ambry Variant Classification Scheme 2023. Collection method: clinical testing. Allele origin: germline.

Fulgent Genetics
Classification: Uncertain significance for Arthrogryposis, renal dysfunction, and cholestasis 2. Last evaluated: 2024-06-10. Review status: criteria provided, single submitter. Criteria: ACMG Guidelines, 2015. Collection method: clinical testing. Allele origin: germline.

Labcorp Genetics (formerly Invitae), Labcorp
Classification: Uncertain significance. Last evaluated: 2023-11-01. Review status: criteria provided, single submitter. Criteria: Invitae Variant Classification Sherloc (09022015). Collection method: clinical testing. Allele origin: germline.
Comment: This sequence change replaces arginine, which is basic and polar, with leucine, which is neutral and non-polar, at codon 220 of the VIPAS39 protein (p.Arg220Leu). This variant is present in population databases (rs769057172, gnomAD 0.03%). This variant has not been reported in the literature in individuals affected with VIPAS39-related conditions. Advanced modeling of protein sequence and biophysical properties (such as structural, functional, and spatial information, amino acid conservation, physicochemical variation, residue mobility, and thermodynamic stability) performed at Invitae indicates that this missense variant is expected to disrupt VIPAS39 protein function with a positive predictive value of 80%. In summary, the available evidence is currently insufficient to determine the role of this variant in disease. Therefore, it has been classified as a Variant of Uncertain Significance.

NM_001193315.2(VIPAS39):c.659G>T (p.Arg220Leu)

Gene: VIPAS39 (VPS33B interacting protein, apical-basolateral polarity regulator, spe-39 homolog; minus strand). Cytogenetic location: 14q24.3.
Variant type: single nucleotide variant.
Coding change: c.659G>T on transcript NM_001193315.2 (MANE Select); coding-DNA position 659, G replaced by T.
Protein change: p.Arg220Leu; replaces arginine 220 with leucine.
Molecular consequence: missense variant. On other transcripts: non-coding transcript variant (1).
Genome position (GRCh38, 1-based): chr14:77,442,635, C>A on the plus strand (G>T on the coding strand, the complement: VIPAS39 is on the minus strand). VCF-style: chr14-77442635-C-A. GRCh37 (hg19) VCF-style: chr14-77908978-C-A.
Other names: c.659G>T, p.Arg220Leu (NM_001193314.2, NM_001193317.2, NM_001400326.1 and 8 more transcripts); c.512G>T, p.Arg171Leu (NM_001193316.2, NM_001400324.1, NM_001400325.1); c.626G>T, p.Arg209Leu (NM_001400327.1); c.566G>T, p.Arg189Leu (NM_001400333.1, NM_001400334.1); c.419G>T, p.Arg140Leu (NM_001400337.1); c.659G>T (NM_001193314.1); short protein forms R189L, R171L, R209L, R220L, R140L.
Identifiers: ClinVar variation 2889268 (VCV002889268.5), dbSNP rs769057172, ClinGen allele CA7288006.
Genomic context (GRCh38, chr14:77,442,635, plus strand): 5'-AGCAACTTTTGATCCCCTATTTCCTTAAGGAAGTGAATAAGATGTCTCAGGGCAACCTGT[C>A]GCACCTCCAGCTCTCGGAAGAGGATCTCTGTCAGACAGTCAGGAGTTAAGTTGAGAAAGA-3'
Protein context (NP_001180244.1, residues 210-230): KEILFRELEV[Arg220Leu]QVALRHLIHF